The following is an entry in ClinVar:

NM_015662.3(IFT172):c.963T>G (p.Ile321Met)

Gene: IFT172 (intraflagellar transport 172; minus strand). Cytogenetic location: 2p23.3.
Variant type: single nucleotide variant.
Coding change: c.963T>G on transcript NM_015662.3 (MANE Select); coding-DNA position 963, T replaced by G.
Protein change: p.Ile321Met; replaces isoleucine 321 with methionine.
Molecular consequence: missense variant.
Genome position (GRCh38, 1-based): chr2:27,479,551, A>C on the plus strand (T>G on the coding strand, the complement: IFT172 is on the minus strand). VCF-style: chr2-27479551-A-C. GRCh37 (hg19) VCF-style: chr2-27702418-A-C.
Other names: c.963T>G, p.Ile321Met (NM_001410739.1); short protein forms I321M.
Identifiers: ClinVar variation 2002850 (VCV002002850.4), dbSNP rs761704635, ClinGen allele CA1580812.

ClinVar aggregate classification (germline): Uncertain significance (1 of 4 stars; one submission).

Conditions:
Retinitis pigmentosa 71 (RP71). Identifiers: Orphanet 791, MedGen C4225342, MONDO:0014618, OMIM 616394.
Short-rib thoracic dysplasia 10 with or without polydactyly (SRTD10). Identifiers: Orphanet 474, MedGen C3810175, MONDO:0014284, OMIM 615630.

Allele frequency attached by ClinVar (database versions not stated): gnomAD exomes below 0.00001; gnomAD 0.00001; ExAC 0.00002; TOPMed 0.00002.
gnomAD v4.1: 3 of 1,613,432 alleles (0.00019%); highest among the groups gnomAD compares: East Asian, 0.0067%; no homozygotes.

Submission:

Labcorp Genetics (formerly Invitae), Labcorp
Classification: Uncertain significance for Retinitis pigmentosa 71; Short-rib thoracic dysplasia 10 with or without polydactyly. Last evaluated: 2022-06-08. Review status: criteria provided, single submitter. Criteria: Invitae Variant Classification Sherloc (09022015). Collection method: clinical testing. Allele origin: germline.
Comment: Algorithms developed to predict the effect of missense changes on protein structure and function (SIFT, PolyPhen-2, Align-GVGD) all suggest that this variant is likely to be tolerated. In summary, the available evidence is currently insufficient to determine the role of this variant in disease. Therefore, it has been classified as a Variant of Uncertain Significance. This variant has not been reported in the literature in individuals affected with IFT172-related conditions. This variant is present in population databases (rs761704635, gnomAD 0.02%). This sequence change replaces isoleucine, which is neutral and non-polar, with methionine, which is neutral and non-polar, at codon 321 of the IFT172 protein (p.Ile321Met).